The following is an entry in ClinVar:

ClinVar aggregate classification (germline): Benign/Likely benign. Review status: criteria provided, multiple submitters, no conflicts (2 of 4 stars). 7 submissions from 7 submitters: Benign (5); Likely benign (2). Last evaluated 2026-01-31.

Conditions:
Familial focal epilepsy with variable foci (FPEVF). Identifiers: Orphanet 98820, MedGen C1858477, MONDO:0020310.
DEPDC5-related disorder. Also called: DEPDC5-related condition; DEPDC5-related related disorder.
Inborn genetic diseases. Identifiers: MedGen C0950123, MeSH D030342.

Allele frequency attached by ClinVar (database versions not stated): 1000 Genomes Project 0.00319; 1000 Genomes Project 30x 0.00328; gnomAD exomes 0.00023 and 0.00067; ExAC 0.00075; TOPMed 0.00210; gnomAD 0.00215 and 0.00227.
gnomAD v4.1: 663 of 1,614,124 alleles (0.041%); highest among the groups gnomAD compares: African/African-American, 0.75%; 2 homozygotes.

Submissions (7):

Labcorp Genetics (formerly Invitae), Labcorp
Classification: Benign for Familial focal epilepsy with variable foci. Last evaluated: 2026-01-31. Review status: criteria provided, single submitter. Criteria: Invitae Variant Classification Sherloc (09022015). Collection method: clinical testing. Allele origin: germline.

CeGaT Center for Human Genetics Tuebingen
Classification: Benign. Last evaluated: 2026-01-01. Review status: criteria provided, single submitter. Criteria: CeGaT Center For Human Genetics Tuebingen Variant Classification Criteria Version 2. Collection method: clinical testing. Allele origin: germline. Affected: yes. Observed: 2 variant alleles.
Comment: DEPDC5: BS1, BS2

PreventionGenetics, part of Exact Sciences
Classification: Benign for DEPDC5-related condition. Last evaluated: 2025-12-27. Review status: criteria provided, single submitter. Criteria: ACMG Guidelines, 2015. Collection method: clinical testing. Allele origin: germline.
Comment: This variant is classified as benign based on ACMG/AMP sequence variant interpretation guidelines (Richards et al. 2015 PMID: 25741868, with internal and published modifications).

Blueprint Genetics
Classification: Likely benign. Last evaluated: 2024-08-30. Review status: criteria provided, single submitter. Criteria: ACMG Guidelines, 2015. Collection method: clinical testing. Allele origin: germline.

Ambry Genetics
Classification: Likely benign for Inborn genetic diseases. Last evaluated: 2021-10-01. Review status: criteria provided, single submitter. Criteria: Ambry Variant Classification Scheme 2023. Collection method: clinical testing. Allele origin: germline.

GeneDx
Classification: Benign. Last evaluated: 2019-01-29. Review status: criteria provided, single submitter. Criteria: GeneDx Variant Classification Process June 2021. Collection method: clinical testing. Allele origin: germline. Affected: yes.

Breakthrough Genomics
Classification: Benign. Review status: criteria provided, single submitter. Criteria: ACMG Guidelines, 2015. Collection method: not provided. Allele origin: germline. Inheritance: Autosomal dominant inheritance. Affected: yes.

NM_001242896.3(DEPDC5):c.2072T>C (p.Leu691Pro)

Gene: DEPDC5 (DEP domain containing 5, GATOR1 subcomplex subunit; plus strand). Cytogenetic location: 22q12.3.
Variant type: single nucleotide variant.
Coding change: c.2072T>C on transcript NM_001242896.3 (MANE Select); coding-DNA position 2072, T replaced by C.
Protein change: p.Leu691Pro; replaces leucine 691 with proline.
Molecular consequence: missense variant. On other transcripts: non-coding transcript variant (4), intron variant (3).
Genome position (GRCh38, 1-based): chr22:31,822,758, T>C. VCF-style: chr22-31822758-T-C. GRCh37 (hg19) VCF-style: chr22-32218744-T-C.
Other names: c.2072T>C, p.Leu691Pro (NM_001136029.4, NM_001363852.2, NM_001364318.2 and 3 more transcripts); c.1988T>C, p.Leu663Pro (NM_001369901.1, NM_001369902.1); c.1870+3533T>C (NM_001363854.2, NM_001242897.2, NM_001364319.2); short protein forms L691P, L663P.
Identifiers: ClinVar variation 414472 (VCV000414472.42), dbSNP rs201464790, ClinGen allele CA10196559.